The following is an entry in ClinVar:

ClinVar aggregate classification (germline): Likely benign. Review status: criteria provided, multiple submitters, no conflicts (2 of 4 stars). 3 submissions from 3 submitters: Likely benign (3). Last evaluated 2026-01-10.

Conditions:
Cardiovascular phenotype. Identifiers: MedGen CN230736.
Catecholaminergic polymorphic ventricular tachycardia (CVPT). Also called: Catecholamine-induced polymorphic ventricular tachycardia. Identifiers: Orphanet 3286, MedGen C5574922, MONDO:0017990.
Catecholaminergic polymorphic ventricular tachycardia 1. Also called: VENTRICULAR TACHYCARDIA, CATECHOLAMINERGIC POLYMORPHIC, 1, WITH OR WITHOUT ATRIAL DYSFUNCTION AND/OR DILATED CARDIOMYOPATHY; VENTRICULAR TACHYCARDIA, STRESS-INDUCED POLYMORPHIC 1; RYR2-Related Catecholaminergic Polymorphic Ventricular Tachycardia. Identifiers: Orphanet 3286, MedGen C1631597, MONDO:0011484, OMIM 604772.

Submissions (3):

Labcorp Genetics (formerly Invitae), Labcorp
Classification: Likely benign for Catecholaminergic polymorphic ventricular tachycardia 1. Last evaluated: 2026-01-10. Review status: criteria provided, single submitter. Criteria: Invitae Variant Classification Sherloc (09022015). Collection method: clinical testing. Allele origin: germline.

All of Us Research Program, National Institutes of Health
Classification: Likely benign for Catecholaminergic polymorphic ventricular tachycardia. Last evaluated: 2023-11-02. Review status: criteria provided, single submitter. Criteria: ACMG Guidelines, 2015. Collection method: clinical testing. Allele origin: germline. Inheritance: Autosomal dominant inheritance. Observed: 1 variant allele, 1 heterozygote.
Comment: This study involves interpretation of variants in research participants for the purpose of population health screening. Participant phenotype was not available at the time of variant classification. Additional details can be found in publication PMID: 35346344, PMCID: PMC8962531

Ambry Genetics
Classification: Likely benign for Cardiovascular phenotype. Last evaluated: 2022-10-27. Review status: criteria provided, single submitter. Criteria: Ambry Variant Classification Scheme 2023. Collection method: clinical testing. Allele origin: germline.

NM_001035.3(RYR2):c.5889G>A (p.Lys1963=)

Gene: RYR2 (ryanodine receptor 2; plus strand). Cytogenetic location: 1q43.
Variant type: single nucleotide variant.
Coding change: c.5889G>A on transcript NM_001035.3 (MANE Select); coding-DNA position 5889, G replaced by A.
Protein change: p.Lys1963=; no amino-acid change (lysine 1963 retained).
Molecular consequence: synonymous variant.
Genome position (GRCh38, 1-based): chr1:237,617,459, G>A. VCF-style: chr1-237617459-G-A. GRCh37 (hg19) VCF-style: chr1-237780759-G-A.
Identifiers: ClinVar variation 1750292 (VCV001750292.4), dbSNP rs1678600661, ClinGen allele CA423821291.